The following is an entry in ClinVar:

GRCh37/hg19 10q23.31-23.33(chr10:89823147-96056941)x1

Genes: ACTA2 (actin alpha 2, smooth muscle; minus strand), ANKRD1 (ankyrin repeat domain 1; minus strand), ANKRD22 (ankyrin repeat domain 22; minus strand), BTAF1 (B-TFIID TATA-box binding protein associated factor 1; plus strand), CEP55 (centrosomal protein 55; plus strand) and 43 more. Cytogenetic location: 10q23.31-23.33.
Variant type: copy number loss.
Change: copy number 1 (one copy instead of two) of chr10:89,823,147-96,056,941 (6.23 Mb, GRCh37 coordinates, 1-based), cytogenetic band 10q23.31-23.33.
Identifiers: ClinVar variation 1807839 (VCV001807839.1).

ClinVar aggregate classification (germline): Pathogenic (1 of 4 stars; one submission).

Submission:

Quest Diagnostics Nichols Institute San Juan Capistrano
Classification: Pathogenic. Last evaluated: 2021-12-28. Review status: criteria provided, single submitter. Criteria: ACMG/ClinGen CNV Guidelines, 2019. Collection method: clinical testing. Allele origin: unknown.
Comment: The copy number loss of 10q23.31q23.33 involves several protein-coding genes and is expected to cause phenotypic and/or developmental abnormalities, and includes KIF11 (OMIM 148760). Haploinsufficiency of KIF11 is associated with autosomal dominant microcephaly with or without chorioretinopathy, lymphedema, or intellectual disability (OMIM 152950). Additionally, a de novo 3.1 Mb deletion fully encompassed within the current interval, was reported in an individual with obesity, intellectual disability, and microcephaly (Turkyilmaz 2021). References Turkyilmaz et al., Mol Syndromol. 2021 Jul;12(4):258-262. PMID: 34421505